The following is an entry in ClinVar:

ClinVar aggregate classification (germline): Uncertain significance (1 of 4 stars; one submission).

Conditions:
Aortic aneurysm, familial thoracic 4 (AAT4). Also called: AORTIC ANEURYSM/AORTIC DISSECTION AND PATENT DUCTUS ARTERIOSUS. Identifiers: MedGen C1851504, MONDO:0007568, OMIM 132900.

Submission:

Labcorp Genetics (formerly Invitae), Labcorp
Classification: Uncertain significance for Aortic aneurysm, familial thoracic 4. Last evaluated: 2016-01-02. Review status: criteria provided, single submitter. Criteria: Invitae Variant Classification Sherloc (09022015). Collection method: clinical testing. Allele origin: germline.
Comment: In summary, this is a novel missense change with uncertain impact on protein function. It has been classified as a Variant of Uncertain Significance. Algorithms developed to predict the effect of missense changes on protein structure and function do not agree on the potential impact of this missense change (SIFT: "Deleterious"; PolyPhen-2: "Possibly Damaging"; Align-GVGD: "Class C15"). This variant is not present in population databases (ExAC no frequency) and has not been reported in the literature in individuals with a MYH11-related disease. This sequence change replaces arginine with leucine at codon 707 of the MYH11 protein (p.Arg707Leu). The arginine residue is highly conserved and there is a moderate physicochemical difference between arginine and leucine.

NM_002474.3(MYH11):c.2099G>T (p.Arg700Leu)

Gene: MYH11 (myosin heavy chain 11; minus strand). Cytogenetic location: 16p13.11.
Variant type: single nucleotide variant.
Coding change: c.2099G>T on transcript NM_002474.3 (MANE Select); coding-DNA position 2099, G replaced by T.
Protein change: p.Arg700Leu; replaces arginine 700 with leucine.
Molecular consequence: missense variant.
Genome position (GRCh38, 1-based): chr16:15,748,128, C>A on the plus strand (G>T on the coding strand, the complement: MYH11 is on the minus strand). VCF-style: chr16-15748128-C-A. GRCh37 (hg19) VCF-style: chr16-15841985-C-A.
Other names: c.2120G>T, p.Arg707Leu (NM_001040113.2, NM_001040114.2); c.2099G>T, p.Arg700Leu (NM_022844.3); short protein forms R707L, R700L.
Identifiers: ClinVar variation 221095 (VCV000221095.8), dbSNP rs376758800, ClinGen allele CA348882.